The following is an entry in ClinVar:

ClinVar aggregate classification (germline): Uncertain significance. Review status: criteria provided, multiple submitters, no conflicts (2 of 4 stars). 2 submissions from 2 submitters: Uncertain significance (2). Last evaluated 2024-09-20.

Conditions:
Long QT syndrome (LQTS). Identifiers: MedGen C0023976, MeSH D008133, MONDO:0002442. Disease mechanism: loss of function. Inheritance: Various modes of inheritance.
Cardiovascular phenotype. Identifiers: MedGen CN230736.

Allele frequency attached by ClinVar (database versions not stated): gnomAD exomes below 0.00001; TOPMed below 0.00001.
gnomAD v4.1: 1 of 1,613,368 alleles (0.000062%); highest among the groups gnomAD compares: Non-Finnish European, 0.000085%; no homozygotes.

Submissions (2):

Ambry Genetics
Classification: Uncertain significance for Cardiovascular phenotype. Last evaluated: 2024-09-20. Review status: criteria provided, single submitter. Criteria: Ambry Variant Classification Scheme 2023. Collection method: clinical testing. Allele origin: germline.

Labcorp Genetics (formerly Invitae), Labcorp
Classification: Uncertain significance for Long QT syndrome. Last evaluated: 2024-06-25. Review status: criteria provided, single submitter. Criteria: Invitae Variant Classification Sherloc (09022015). Collection method: clinical testing. Allele origin: germline.
Comment: This sequence change replaces serine, which is neutral and polar, with cysteine, which is neutral and slightly polar, at codon 3118 of the AKAP9 protein (p.Ser3118Cys). This variant is not present in population databases (gnomAD no frequency). This variant has not been reported in the literature in individuals affected with AKAP9-related conditions. An algorithm developed to predict the effect of missense changes on protein structure and function (PolyPhen-2) suggests that this variant is likely to be disruptive. In summary, the available evidence is currently insufficient to determine the role of this variant in disease. Therefore, it has been classified as a Variant of Uncertain Significance.

NM_005751.5(AKAP9):c.9352A>T (p.Ser3118Cys)

Gene: AKAP9 (A-kinase anchoring protein 9; plus strand). Cytogenetic location: 7q21.2.
Variant type: single nucleotide variant.
Coding change: c.9352A>T on transcript NM_005751.5 (MANE Select); coding-DNA position 9352, A replaced by T.
Protein change: p.Ser3118Cys; replaces serine 3118 with cysteine.
Molecular consequence: missense variant.
Genome position (GRCh38, 1-based): chr7:92,089,523, A>T. VCF-style: chr7-92089523-A-T. GRCh37 (hg19) VCF-style: chr7-91718837-A-T.
Other names: c.3997A>T, p.Ser1333Cys (NM_001379277.1); c.9328A>T, p.Ser3110Cys (NM_147185.3); short protein forms S1333C, S3110C, S3118C.
Identifiers: ClinVar variation 2889587 (VCV002889587.4), dbSNP rs1815169853, ClinGen allele CA368144900.